The following is an entry in ClinVar:

NM_020937.4(FANCM):c.491A>G (p.His164Arg)

Gene: FANCM (FA complementation group M; plus strand). Cytogenetic location: 14q21.2.
Variant type: single nucleotide variant.
Coding change: c.491A>G on transcript NM_020937.4 (MANE Select); coding-DNA position 491, A replaced by G.
Protein change: p.His164Arg; replaces histidine 164 with arginine.
Molecular consequence: missense variant.
Genome position (GRCh38, 1-based): chr14:45,136,522, A>G. VCF-style: chr14-45136522-A-G. GRCh37 (hg19) VCF-style: chr14-45605725-A-G.
Other names: c.491A>G, p.His164Arg (NM_001308133.2, NM_001308134.2); short protein forms H164R.
Identifiers: ClinVar variation 4871045 (VCV004871045.1).

ClinVar aggregate classification (germline): Uncertain significance (1 of 4 stars; one submission).

Conditions:
Inborn genetic diseases. Identifiers: MedGen C0950123, MeSH D030342.

Submission:

Ambry Genetics
Classification: Uncertain significance for Inborn genetic diseases. Last evaluated: 2026-03-25. Review status: criteria provided, single submitter. Criteria: Ambry Variant Classification Scheme 2023. Collection method: clinical testing. Allele origin: germline.
Comment: The p.H164R variant (also known as c.491A>G), located in coding exon 1 of the FANCM gene, results from an A to G substitution at nucleotide position 491. The histidine at codon 164 is replaced by arginine, an amino acid with highly similar properties. This amino acid position is conserved. In addition, this alteration is predicted to be tolerated by in silico analysis. Based on the available evidence, the clinical significance of this variant remains unclear.